The following is an entry in ClinVar:

NM_000258.3(MYL3):c.560-15T>G

Gene: MYL3 (myosin light chain 3; minus strand). Cytogenetic location: 3p21.31.
Variant type: single nucleotide variant.
Coding change: c.560-15T>G on transcript NM_000258.3 (MANE Select); 15 bases into the intron before coding-DNA position 560, T replaced by G.
Molecular consequence: intron variant.
Genome position (GRCh38, 1-based): chr3:46,858,287, A>C on the plus strand (T>G on the coding strand, the complement: MYL3 is on the minus strand). VCF-style: chr3-46858287-A-C. GRCh37 (hg19) VCF-style: chr3-46899777-A-C.
Identifiers: ClinVar variation 927638 (VCV000927638.12), dbSNP rs1041055773, ClinGen allele CA73777300.

ClinVar aggregate classification (germline): Conflicting classifications of pathogenicity. Review status: criteria provided, conflicting classifications (1 of 4 stars). 4 submissions from 4 submitters: Uncertain significance (2); Likely benign (2). Last evaluated 2025-10-29.

Conditions:
Cardiomyopathy (CMYO). Also called: Cardiomyopathies. Identifiers: Orphanet 167848, MedGen C0878544, MONDO:0004994, HP:0001638. Inheritance: Various modes of inheritance.
Hypertrophic cardiomyopathy. Also called: HYPERTROPHIC MYOCARDIOPATHY. Identifiers: Orphanet 217569, MedGen C0007194, MeSH D002312, MONDO:0005045, HP:0001639.

Allele frequency attached by ClinVar (database versions not stated): gnomAD 0.00001; TOPMed 0.00001; gnomAD exomes 0.00002 and 0.00003.
gnomAD v4.1: 53 of 1,613,988 alleles (0.0033%); highest among the groups gnomAD compares: Non-Finnish European, 0.0042%; no homozygotes.

Submissions (4):

Labcorp Genetics (formerly Invitae), Labcorp
Classification: Likely benign for Hypertrophic cardiomyopathy. Last evaluated: 2025-10-29. Review status: criteria provided, single submitter. Criteria: Invitae Variant Classification Sherloc (09022015). Collection method: clinical testing. Allele origin: germline.

Color Diagnostics, LLC DBA Color Health
Classification: Likely benign for Cardiomyopathy. Last evaluated: 2025-06-24. Review status: criteria provided, single submitter. Criteria: ACMG Guidelines, 2015. Collection method: clinical testing. Allele origin: germline.

Blueprint Genetics
Classification: Uncertain significance. Last evaluated: 2024-08-28. Review status: criteria provided, single submitter. Criteria: ACMG Guidelines, 2015. Collection method: clinical testing. Allele origin: germline.

All of Us Research Program, National Institutes of Health
Classification: Uncertain significance for Hypertrophic cardiomyopathy. Last evaluated: 2023-12-01. Review status: criteria provided, single submitter. Criteria: ACMG Guidelines, 2015. Collection method: clinical testing. Allele origin: germline. Inheritance: Autosomal dominant inheritance. Observed: 2 variant alleles, 2 heterozygotes.
Comment: This variant causes a T to G nucleotide substitution at the -15 position of intron 5 of the MYL3 gene. Splice site prediction tools are inconclusive regarding the impact of this variant on RNA splicing. To our knowledge, functional studies have not been reported for this variant. This variant has not been reported in individuals affected with cardiovascular disorders in the literature. This variant has been identified in 5/251454 chromosomes in the general population by the Genome Aggregation Database (gnomAD). The available evidence is insufficient to determine the role of this variant in disease conclusively. Therefore, this variant is classified as a Variant of Uncertain Significance.

This study involves interpretation of variants in research participants for the purpose of population health screening. Participant phenotype was not available at the time of variant classification. Additional details can be found in publication PMID: 35346344, PMCID: PMC8962531